The following is an entry in ClinVar:

ClinVar aggregate classification (germline): Benign. Review status: criteria provided, multiple submitters, no conflicts (2 of 4 stars). 3 submissions from 3 submitters: Benign (2). 1 of the submissions does not count toward it. Last evaluated 2025-10-20.

Conditions:
SALL2-related disorder. Also called: SALL2-related condition.

Allele frequency attached by ClinVar (database versions not stated): gnomAD exomes 0.00277; ExAC 0.00358; gnomAD 0.01102 and 0.01180; 1000 Genomes Project 0.01118; ESP Exome Variant Server 0.01192; 1000 Genomes Project 30x 0.01218; TOPMed 0.01281.
gnomAD v4.1: 3,262 of 1,614,038 alleles (0.2%); highest among the groups gnomAD compares: African/African-American, 3.8%; 57 homozygotes.

Submissions (3):

Labcorp Genetics (formerly Invitae), Labcorp
Classification: Benign. Last evaluated: 2025-10-20. Review status: criteria provided, single submitter. Criteria: Invitae Variant Classification Sherloc (09022015). Collection method: clinical testing. Allele origin: germline.

Breakthrough Genomics
Classification: Benign. Review status: criteria provided, single submitter. Criteria: ACMG Guidelines, 2015. Collection method: not provided. Allele origin: germline. Inheritance: Autosomal recessive inheritance. Affected: yes.

PreventionGenetics, part of Exact Sciences
Classification: Benign for SALL2-related condition. Last evaluated: 2024-07-10. Review status: no assertion criteria provided. Collection method: clinical testing. Allele origin: germline. Not counted in ClinVar's aggregate classification.
Comment: This variant is classified as benign based on ACMG/AMP sequence variant interpretation guidelines (Richards et al. 2015 PMID: 25741868, with internal and published modifications).

NM_001364564.1(SALL2):c.2513C>G (p.Pro838Arg)

Gene: SALL2 (spalt like transcription factor 2; minus strand). Cytogenetic location: 14q11.2.
Variant type: single nucleotide variant.
Coding change: c.2513C>G on transcript NM_001364564.1 (MANE Select); coding-DNA position 2513, C replaced by G.
Protein change: p.Pro838Arg; replaces proline 838 with arginine.
Molecular consequence: missense variant.
Genome position (GRCh38, 1-based): chr14:21,523,209, G>C on the plus strand (C>G on the coding strand, the complement: SALL2 is on the minus strand). VCF-style: chr14-21523209-G-C. GRCh37 (hg19) VCF-style: chr14-21991343-G-C.
Other names: c.2114C>G, p.Pro705Arg (NM_001291446.2); c.2108C>G, p.Pro703Arg (NM_001291447.2); c.2519C>G, p.Pro840Arg (NM_005407.3); short protein forms P838R, P703R, P705R, P840R.
Identifiers: ClinVar variation 784278 (VCV000784278.12), dbSNP rs61743453, ClinGen allele CA7093472.